The following is an entry in ClinVar:

NM_001040142.2(SCN2A):c.2914C>G (p.Leu972Val)

Gene: SCN2A (sodium voltage-gated channel alpha subunit 2; plus strand). Cytogenetic location: 2q24.3.
Variant type: single nucleotide variant.
Coding change: c.2914C>G on transcript NM_001040142.2 (MANE Select); coding-DNA position 2914, C replaced by G.
Protein change: p.Leu972Val; replaces leucine 972 with valine.
Molecular consequence: missense variant.
Genome position (GRCh38, 1-based): chr2:165,344,906, C>G. VCF-style: chr2-165344906-C-G. GRCh37 (hg19) VCF-style: chr2-166201416-C-G.
Other names: c.2914C>G, p.Leu972Val (NM_001040143.2, NM_001371246.1, NM_001371247.1 and 1 more transcripts); short protein forms L972V.
Identifiers: ClinVar variation 3340833 (VCV003340833.1).

ClinVar aggregate classification (germline): Pathogenic (1 of 4 stars; one submission).

Submission:

GeneDx
Classification: Pathogenic. Last evaluated: 2024-03-19. Review status: criteria provided, single submitter. Criteria: GeneDx Variant Classification Process June 2021. Collection method: clinical testing. Allele origin: germline. Affected: yes.
Comment: Not observed at significant frequency in large population cohorts (gnomAD); In silico analysis supports that this missense variant has a deleterious effect on protein structure/function; This variant is associated with the following publications: (PMID: 32737897, 30643928)